The following is an entry in ClinVar:

ClinVar aggregate classification (germline): Uncertain significance (1 of 4 stars; one submission).

Conditions:
Cardiovascular phenotype. Identifiers: MedGen CN230736.
Hereditary cancer-predisposing syndrome. Also called: Hereditary Cancer Syndrome; Neoplastic Syndromes, Hereditary; Tumor predisposition; Hereditary neoplastic syndrome. Identifiers: Orphanet 140162, MedGen C0027672, MeSH D009386, MONDO:0015356.

Submission:

Ambry Genetics
Classification: Uncertain significance for Cardiovascular phenotype; Hereditary cancer-predisposing syndrome. Last evaluated: 2025-04-06. Review status: criteria provided, single submitter. Criteria: Ambry Variant Classification Scheme 2023. Collection method: clinical testing. Allele origin: germline.
Comment: The p.L179F variant (also known as c.537G>T), located in coding exon 5 of the NF1 gene, results from a G to T substitution at nucleotide position 537. The leucine at codon 179 is replaced by phenylalanine, an amino acid with highly similar properties. This amino acid position is conserved. In addition, this alteration is predicted to be deleterious by in silico analysis. Since supporting evidence is limited at this time, the clinical significance of this alteration remains unclear.

NM_001042492.3(NF1):c.537G>T (p.Leu179Phe)

Gene: NF1 (neurofibromin 1; plus strand). Cytogenetic location: 17q11.2.
Variant type: single nucleotide variant.
Coding change: c.537G>T on transcript NM_001042492.3 (MANE Select); coding-DNA position 537, G replaced by T.
Protein change: p.Leu179Phe; replaces leucine 179 with phenylalanine.
Molecular consequence: missense variant.
Genome position (GRCh38, 1-based): chr17:31,169,948, G>T. VCF-style: chr17-31169948-G-T. GRCh37 (hg19) VCF-style: chr17-29496966-G-T.
Other names: c.537G>T, p.Leu179Phe (NM_000267.4, NM_001128147.3); short protein forms L179F.
Identifiers: ClinVar variation 1747166 (VCV001747166.3), dbSNP rs1555607095, ClinGen allele CA398985138.